The following is an entry in ClinVar:

ClinVar aggregate classification (germline): Likely benign (1 of 4 stars; one submission).

Conditions:
SCAPER-related disorder. Also called: SCAPER-related condition.

gnomAD v4.1: 3 of 1,605,662 alleles (0.00019%); highest among the groups gnomAD compares: African/African-American, 0.0013%; no homozygotes.

Submission:

PreventionGenetics, part of Exact Sciences
Classification: Likely benign for SCAPER-related condition. Last evaluated: 2026-02-04. Review status: criteria provided, single submitter. Criteria: ACMG Guidelines, 2015. Collection method: clinical testing. Allele origin: germline.
Comment: This variant is classified as likely benign based on ACMG/AMP sequence variant interpretation guidelines (Richards et al. 2015 PMID: 25741868, with internal and published modifications).

NM_020843.4(SCAPER):c.3705+8G>A

Gene: SCAPER (S-phase cyclin A associated protein in the ER; minus strand). Cytogenetic location: 15q24.3.
Variant type: single nucleotide variant.
Coding change: c.3705+8G>A on transcript NM_020843.4 (MANE Select); 8 bases into the intron after coding-DNA position 3705, G replaced by A.
Molecular consequence: intron variant.
Genome position (GRCh38, 1-based): chr15:76,381,370, C>T on the plus strand (G>A on the coding strand, the complement: SCAPER is on the minus strand). VCF-style: chr15-76381370-C-T. GRCh37 (hg19) VCF-style: chr15-76673711-C-T.
Other names: c.3321+8G>A (NM_001353011.2); c.3303+8G>A (NM_001353012.2, NM_001353010.2); c.3723+8G>A (NM_001353009.2); c.2967+8G>A (NM_001145923.2).
Identifiers: ClinVar variation 4988811 (VCV004988811.1).
Genomic context (GRCh38, chr15:76,381,370, plus strand): 5'-GACATCCTATCTACACTAAAATACTAACTCTTGATTGGTTAACATCGATATAAACCAATA[C>T]TTGGTACCTGAAAAGCAGGCAGATGAAGAGCTGCAAAGCTGTTGAAGAAACGTAAACTCT-3'